The following is an entry in ClinVar:

NM_000465.4(BARD1):c.1474T>C (p.Tyr492His)

Gene: BARD1 (BRCA1 associated RING domain 1; minus strand). Cytogenetic location: 2q35.
Variant type: single nucleotide variant.
Coding change: c.1474T>C on transcript NM_000465.4 (MANE Select); coding-DNA position 1474, T replaced by C.
Protein change: p.Tyr492His; replaces tyrosine 492 with histidine.
Molecular consequence: missense variant. On other transcripts: non-coding transcript variant (3), intron variant (3).
Genome position (GRCh38, 1-based): chr2:214,767,576, A>G on the plus strand (T>C on the coding strand, the complement: BARD1 is on the minus strand). VCF-style: chr2-214767576-A-G. GRCh37 (hg19) VCF-style: chr2-215632300-A-G.
Other names: c.1417T>C, p.Tyr473His (NM_001282543.2); c.159-15021T>C (NM_001282548.2); c.216-15021T>C (NM_001282545.2); c.364+24721T>C (NM_001282549.2); short protein forms Y492H, Y473H.
Identifiers: ClinVar variation 819303 (VCV000819303.11), dbSNP rs1299360165, ClinGen allele CA350448463.

ClinVar aggregate classification (germline): Uncertain significance. Review status: criteria provided, multiple submitters, no conflicts (2 of 4 stars). 3 submissions from 3 submitters: Uncertain significance (3). Last evaluated 2025-09-19.

Conditions:
Familial cancer of breast. Also called: hereditary breast carcinoma; Hereditary breast cancer; BREAST CANCER, FAMILIAL. Identifiers: Orphanet 227535, MedGen C0346153, MONDO:0016419, OMIM 114480. Disease mechanism: loss of function.
Hereditary cancer-predisposing syndrome. Also called: Tumor predisposition; Hereditary neoplastic syndrome; Neoplastic Syndromes, Hereditary; Hereditary Cancer Syndrome. Identifiers: Orphanet 140162, MedGen C0027672, MeSH D009386, MONDO:0015356.

Allele frequency attached by ClinVar (database versions not stated): gnomAD exomes below 0.00001.
gnomAD v4.1: 1 of 1,614,076 alleles (0.000062%); highest among the groups gnomAD compares: Admixed American, 0.0017%; no homozygotes.

Submissions (3):

Labcorp Genetics (formerly Invitae), Labcorp
Classification: Uncertain significance for Familial cancer of breast. Last evaluated: 2025-09-19. Review status: criteria provided, single submitter. Criteria: Invitae Variant Classification Sherloc (09022015). Collection method: clinical testing. Allele origin: germline.
Comment: This sequence change replaces tyrosine, which is neutral and polar, with histidine, which is basic and polar, at codon 492 of the BARD1 protein (p.Tyr492His). This variant is present in population databases (no rsID available, gnomAD 0.003%). This variant has not been reported in the literature in individuals affected with BARD1-related conditions. ClinVar contains an entry for this variant (Variation ID: 819303). An algorithm developed to predict the effect of missense changes on protein structure and function (PolyPhen-2) suggests that this variant is likely to be disruptive. In summary, the available evidence is currently insufficient to determine the role of this variant in disease. Therefore, it has been classified as a Variant of Uncertain Significance.

Baylor Genetics
Classification: Uncertain significance for Familial cancer of breast. Last evaluated: 2023-05-26. Review status: criteria provided, single submitter. Criteria: ACMG Guidelines, 2015. Collection method: clinical testing. Allele origin: unknown.

Ambry Genetics
Classification: Uncertain significance for Hereditary cancer-predisposing syndrome. Last evaluated: 2022-11-04. Review status: criteria provided, single submitter. Criteria: Ambry Variant Classification Scheme 2023. Collection method: clinical testing. Allele origin: germline.
Comment: The p.Y492H variant (also known as c.1474T>C), located in coding exon 6 of the BARD1 gene, results from a T to C substitution at nucleotide position 1474. The tyrosine at codon 492 is replaced by histidine, an amino acid with similar properties. This amino acid position is highly conserved in available vertebrate species. In addition, the in silico prediction for this alteration is inconclusive. Since supporting evidence is limited at this time, the clinical significance of this alteration remains unclear.